The following is an entry in ClinVar:

NM_152393.4(KLHL40):c.300C>A (p.Ser100Arg)

Gene: KLHL40 (kelch like family member 40; plus strand). Cytogenetic location: 3p22.1.
Variant type: single nucleotide variant.
Coding change: c.300C>A on transcript NM_152393.4 (MANE Select); coding-DNA position 300, C replaced by A.
Protein change: p.Ser100Arg; replaces serine 100 with arginine.
Molecular consequence: missense variant.
Genome position (GRCh38, 1-based): chr3:42,685,918, C>A. VCF-style: chr3-42685918-C-A. GRCh37 (hg19) VCF-style: chr3-42727410-C-A.
Other names: short protein forms S100R.
Identifiers: ClinVar variation 1347203 (VCV001347203.7), dbSNP rs765609919, ClinGen allele CA2336619.

ClinVar aggregate classification (germline): Uncertain significance (1 of 4 stars; one submission).

Conditions:
Nemaline myopathy 8 (NEM8). Also called: Nemaline myopathy 8, autosomal recessive. Identifiers: Orphanet 171430, MedGen C3809209, MONDO:0014138, OMIM 615348.

Allele frequency attached by ClinVar (database versions not stated): gnomAD exomes below 0.00001; ExAC 0.00001; gnomAD 0.00001; TOPMed 0.00001.
gnomAD v4.1: 2 of 1,611,586 alleles (0.00012%); highest among the groups gnomAD compares: Non-Finnish European, 0.000085%; no homozygotes.

Submission:

Labcorp Genetics (formerly Invitae), Labcorp
Classification: Uncertain significance for Nemaline myopathy 8. Last evaluated: 2021-05-31. Review status: criteria provided, single submitter. Criteria: Invitae Variant Classification Sherloc (09022015). Collection method: clinical testing. Allele origin: germline.
Comment: This sequence change replaces serine with arginine at codon 100 of the KLHL40 protein (p.Ser100Arg). The serine residue is highly conserved and there is a moderate physicochemical difference between serine and arginine. This variant is present in population databases (rs765609919, ExAC 0.002%). This variant has not been reported in the literature in individuals with KLHL40-related conditions. Algorithms developed to predict the effect of missense changes on protein structure and function are either unavailable or do not agree on the potential impact of this missense change (SIFT: "Deleterious"; PolyPhen-2: "Benign"; Align-GVGD: "Class C25"). In summary, the available evidence is currently insufficient to determine the role of this variant in disease. Therefore, it has been classified as a Variant of Uncertain Significance.